The following is an entry in ClinVar:

NM_001365536.1(SCN9A):c.36T>A (p.Phe12Leu)

Gene: SCN9A (sodium voltage-gated channel alpha subunit 9; minus strand). Cytogenetic location: 2q24.3.
Variant type: single nucleotide variant.
Coding change: c.36T>A on transcript NM_001365536.1 (MANE Select); coding-DNA position 36, T replaced by A.
Protein change: p.Phe12Leu; replaces phenylalanine 12 with leucine.
Molecular consequence: missense variant.
Genome position (GRCh38, 1-based): chr2:166,311,721, A>T on the plus strand (T>A on the coding strand, the complement: SCN9A is on the minus strand). VCF-style: chr2-166311721-A-T. GRCh37 (hg19) VCF-style: chr2-167168231-A-T.
Other names: c.36T>A, p.Phe12Leu (NM_002977.4); short protein forms F12L.
Identifiers: ClinVar variation 3750971 (VCV003750971.2).

ClinVar aggregate classification (germline): Uncertain significance (1 of 4 stars; one submission).

Conditions:
Neuropathy, hereditary sensory and autonomic, type 2A (HSAN2A). Also called: MORVAN DISEASE; NEUROPATHY, CONGENITAL SENSORY; NEUROPATHY, HEREDITARY SENSORY RADICULAR, AUTOSOMAL RECESSIVE; NEUROPATHY, HEREDITARY SENSORY, TYPE IIA; NEUROPATHY, PROGRESSIVE SENSORY, OF CHILDREN; ACROOSTEOLYSIS, GIACCAI TYPE. Identifiers: Orphanet 970, MedGen C2752089, MONDO:0024309, OMIM 201300.
Generalized epilepsy with febrile seizures plus, type 7 (GEFSP7). Also called: GEFS+, TYPE 7. Identifiers: Orphanet 36387, MedGen C2751778, MONDO:0013470, OMIM 613863.

Submission:

Labcorp Genetics (formerly Invitae), Labcorp
Classification: Uncertain significance for Neuropathy, hereditary sensory and autonomic, type 2A; Generalized epilepsy with febrile seizures plus, type 7. Last evaluated: 2024-08-01. Review status: criteria provided, single submitter. Criteria: Invitae Variant Classification Sherloc (09022015). Collection method: clinical testing. Allele origin: germline.
Comment: This sequence change replaces phenylalanine, which is neutral and non-polar, with leucine, which is neutral and non-polar, at codon 12 of the SCN9A protein (p.Phe12Leu). This variant is not present in population databases (gnomAD no frequency). This variant has not been reported in the literature in individuals affected with SCN9A-related conditions. Advanced modeling of protein sequence and biophysical properties (such as structural, functional, and spatial information, amino acid conservation, physicochemical variation, residue mobility, and thermodynamic stability) has been performed at Invitae for this missense variant, however the output from this modeling did not meet the statistical confidence thresholds required to predict the impact of this variant on SCN9A protein function. In summary, the available evidence is currently insufficient to determine the role of this variant in disease. Therefore, it has been classified as a Variant of Uncertain Significance.